The following is an entry in ClinVar:

ClinVar aggregate classification (germline): Conflicting classifications of pathogenicity. Review status: criteria provided, conflicting classifications (1 of 4 stars). 2 submissions from 2 submitters: Uncertain significance (1); Likely benign (1). Last evaluated 2024-06-10.

Conditions:
MHC class I deficiency. Identifiers: Orphanet 34592, MedGen C6024714, MONDO:0011476.
Inborn genetic diseases. Identifiers: MedGen C0950123, MeSH D030342.

Allele frequency attached by ClinVar (database versions not stated): gnomAD exomes below 0.00001; ExAC 0.00001; gnomAD 0.00001.
gnomAD v4.1: 3 of 1,612,038 alleles (0.00019%); highest among the groups gnomAD compares: Admixed American, 0.005%; no homozygotes.

Submissions (2):

Ambry Genetics
Classification: Likely benign for Inborn genetic diseases. Last evaluated: 2024-06-10. Review status: criteria provided, single submitter. Criteria: Ambry Variant Classification Scheme 2023. Collection method: clinical testing. Allele origin: germline.

Labcorp Genetics (formerly Invitae), Labcorp
Classification: Uncertain significance for MHC class I deficiency 1. Last evaluated: 2021-12-06. Review status: criteria provided, single submitter. Criteria: Invitae Variant Classification Sherloc (09022015). Collection method: clinical testing. Allele origin: germline.
Comment: This sequence change replaces arginine, which is basic and polar, with glycine, which is neutral and non-polar, at codon 56 of the TAP2 protein (p.Arg56Gly). This variant is present in population databases (rs765259917, gnomAD 0.003%). This variant has not been reported in the literature in individuals affected with TAP2-related conditions. Algorithms developed to predict the effect of missense changes on protein structure and function output the following: SIFT: "Tolerated"; PolyPhen-2: "Not Available"; Align-GVGD: "Class C0". The glycine amino acid residue is found in multiple mammalian species, which suggests that this missense change does not adversely affect protein function. In summary, the available evidence is currently insufficient to determine the role of this variant in disease. Therefore, it has been classified as a Variant of Uncertain Significance.

NM_001290043.2(TAP2):c.166A>G (p.Arg56Gly)

Gene: TAP2 (transporter 2, ATP binding cassette subfamily B member; minus strand). Cytogenetic location: 6p21.32.
Variant type: single nucleotide variant.
Coding change: c.166A>G on transcript NM_001290043.2 (MANE Select); coding-DNA position 166, A replaced by G.
Protein change: p.Arg56Gly; replaces arginine 56 with glycine.
Molecular consequence: missense variant.
Genome position (GRCh38, 1-based): chr6:32,838,068, T>C on the plus strand (A>G on the coding strand, the complement: TAP2 is on the minus strand). VCF-style: chr6-32838068-T-C. GRCh37 (hg19) VCF-style: chr6-32805845-T-C.
Other names: c.166A>G, p.Arg56Gly (NM_000544.3, NM_018833.3); short protein forms R56G.
Identifiers: ClinVar variation 1906410 (VCV001906410.5), dbSNP rs765259917, ClinGen allele CA3746201.